The following is an entry in ClinVar:

ClinVar aggregate classification (germline): Benign/Likely benign. Review status: criteria provided, multiple submitters, no conflicts (2 of 4 stars). 13 submissions from 12 submitters: Benign (10); Likely benign (1). 2 of the submissions do not count toward it. Last evaluated 2026-05-09.

Conditions:
Connective tissue disorder. Also called: Connective tissue disease. Identifiers: MedGen C0009782, MONDO:0003900.
Type 2 collagenopathy. Identifiers: Orphanet 93421, MedGen C2931073, MONDO:0022800.
Stickler syndrome type 1 (STL1). Also called: STICKLER SYNDROME, MEMBRANOUS VITREOUS TYPE; STICKLER SYNDROME, VITREOUS TYPE 1; ARTHROOPHTHALMOPATHY, HEREDITARY PROGRESSIVE; COL2A1-Related Stickler Syndrome. Identifiers: Orphanet 828, Orphanet 90653, MedGen C2020284, MONDO:0007160, OMIM 108300.

Allele frequency attached by ClinVar (database versions not stated): 1000 Genomes Project 0.01797; 1000 Genomes Project 30x 0.01827; TOPMed 0.03587; gnomAD 0.03650 and 0.03719; gnomAD exomes 0.03760 and 0.04824; ESP Exome Variant Server 0.03783; ExAC 0.03807.
gnomAD v4.1: 75,881 of 1,614,054 alleles (4.7%); highest among the groups gnomAD compares: Non-Finnish European, 5.5%; 2,027 homozygotes.

Submissions (13):

Women's Health and Genetics/Laboratory Corporation of America, LabCorp
Classification: Likely benign. Last evaluated: 2026-05-09. Review status: criteria provided, single submitter. Criteria: LabCorp Variant Classification Summary - May 2015. Collection method: clinical testing. Allele origin: germline.

Labcorp Genetics (formerly Invitae), Labcorp
Classification: Benign. Last evaluated: 2026-02-04. Review status: criteria provided, single submitter. Criteria: Invitae Variant Classification Sherloc (09022015). Collection method: clinical testing. Allele origin: germline.

ARUP Laboratories, Molecular Genetics and Genomics, ARUP Laboratories
Classification: Benign. Last evaluated: 2025-04-14. Review status: criteria provided, single submitter. Criteria: ARUP Molecular Germline Variant Investigation Process 2024. Collection method: clinical testing. Allele origin: germline.

Blueprint Genetics
Classification: Benign. Last evaluated: 2024-11-27. Review status: criteria provided, single submitter. Criteria: ACMG Guidelines, 2015. Collection method: clinical testing. Allele origin: germline.

Genome Diagnostics Laboratory, The Hospital for Sick Children
Classification: Benign for Connective tissue disorder. Last evaluated: 2022-07-14. Review status: criteria provided, single submitter. Criteria: ACMG Guidelines, 2015. Collection method: clinical testing. Allele origin: germline.

Mayo Clinic Laboratories, Mayo Clinic
Classification: Benign. Last evaluated: 2022-04-22. Review status: criteria provided, single submitter. Criteria: ACMG Guidelines, 2015. Collection method: clinical testing. Allele origin: germline. Observed: 17 variant alleles.

Illumina Laboratory Services, Illumina
Classification: Benign for Type II Collagenopathies. Last evaluated: 2018-01-12. Review status: criteria provided, single submitter. Criteria: ICSL Variant Classification Criteria 13 December 2019. Collection method: clinical testing. Allele origin: germline.
Comment: This variant was observed in the ICSL laboratory as part of a predisposition screen in an ostensibly healthy population. It had not been previously curated by ICSL or reported in the Human Gene Mutation Database (HGMD: prior to June 1st, 2018), and was therefore a candidate for classification through an automated scoring system. Utilizing variant allele frequency, disease prevalence and penetrance estimates, and inheritance mode, an automated score was calculated to assess if this variant is too frequent to cause the disease. Based on the score and internal cut-off values, a variant classified as benign is not then subjected to further curation. The score for this variant resulted in a classification of benign for this disease.

Illumina Laboratory Services, Illumina
Classification: Benign for Stickler syndrome type 1. Last evaluated: 2018-01-12. Review status: criteria provided, single submitter. Criteria: ICSL Variant Classification Criteria 13 December 2019. Collection method: clinical testing. Allele origin: germline.
Comment: the same text as in the submission from Illumina Laboratory Services, Illumina above.

GeneDx
Classification: Benign. Last evaluated: 2016-03-21. Review status: criteria provided, single submitter. Criteria: GeneDx Variant Classification (06012015). Collection method: clinical testing. Allele origin: germline. Affected: yes.
Comment: This variant is considered likely benign or benign based on one or more of the following criteria: it is a conservative change, it occurs at a poorly conserved position in the protein, it is predicted to be benign by multiple in silico algorithms, and/or has population frequency not consistent with disease.

Breakthrough Genomics
Classification: Benign. Review status: criteria provided, single submitter. Criteria: ACMG Guidelines, 2015. Collection method: not provided. Allele origin: germline. Inheritance: Autosomal dominant inheritance. Affected: yes.

PreventionGenetics, part of Exact Sciences
Classification: Benign. Review status: criteria provided, single submitter. Criteria: ACMG Guidelines, 2015. Collection method: clinical testing. Allele origin: germline.

Genome Diagnostics Laboratory, Amsterdam University Medical Center
Classification: Benign. Review status: no assertion criteria provided. Collection method: clinical testing. Allele origin: germline. Affected: yes. Study: VKGL Data-share Consensus. Not counted in ClinVar's aggregate classification.

Laboratory of Diagnostic Genome Analysis, Leiden University Medical Center (LUMC)
Classification: Benign. Review status: no assertion criteria provided. Collection method: clinical testing. Allele origin: germline. Affected: yes. Study: VKGL Data-share Consensus. Not counted in ClinVar's aggregate classification.

NM_001844.5(COL2A1):c.426A>T (p.Glu142Asp)

Gene: COL2A1 (collagen type II alpha 1 chain; minus strand). Cytogenetic location: 12q13.11.
Variant type: single nucleotide variant.
Coding change: c.426A>T on transcript NM_001844.5 (MANE Select); coding-DNA position 426, A replaced by T.
Protein change: p.Glu142Asp; replaces glutamic acid 142 with aspartic acid.
Molecular consequence: missense variant.
Genome position (GRCh38, 1-based): chr12:47,997,874, T>A on the plus strand (A>T on the coding strand, the complement: COL2A1 is on the minus strand). VCF-style: chr12-47997874-T-A. GRCh37 (hg19) VCF-style: chr12-48391657-T-A.
Other names: c.219A>T, p.Glu73Asp (NM_033150.3); short protein forms E142D, E73D.
Identifiers: ClinVar variation 258239 (VCV000258239.33), dbSNP rs34392760, ClinGen allele CA6535948.